The following is an entry in ClinVar:

NM_005060.4(RORC):c.887G>A (p.Arg296His)

Gene: RORC (RAR related orphan receptor C; minus strand). Cytogenetic location: 1q21.3.
Variant type: single nucleotide variant.
Coding change: c.887G>A on transcript NM_005060.4 (MANE Select); coding-DNA position 887, G replaced by A.
Protein change: p.Arg296His; replaces arginine 296 with histidine.
Molecular consequence: missense variant.
Genome position (GRCh38, 1-based): chr1:151,814,620, C>T on the plus strand (G>A on the coding strand, the complement: RORC is on the minus strand). VCF-style: chr1-151814620-C-T. GRCh37 (hg19) VCF-style: chr1-151787096-C-T.
Other names: c.824G>A, p.Arg275His (NM_001001523.2); short protein forms R275H, R296H.
Identifiers: ClinVar variation 1924347 (VCV001924347.5), dbSNP rs910828529, ClinGen allele CA30497556.

ClinVar aggregate classification (germline): Uncertain significance (1 of 4 stars; one submission).

Conditions:
Autosomal recessive mendelian susceptibility to mycobacterial diseases due to complete RORgamma receptor deficiency. Also called: Immunodeficiency 42. Identifiers: Orphanet 477857, MedGen C5567647, MONDO:0014710, OMIM 616622.

Allele frequency attached by ClinVar (database versions not stated): gnomAD exomes below 0.00001; TOPMed below 0.00001; gnomAD 0.00001.
gnomAD v4.1: 5 of 1,612,358 alleles (0.00031%); highest among the groups gnomAD compares: Middle Eastern, 0.016%; no homozygotes.

Submission:

Labcorp Genetics (formerly Invitae), Labcorp
Classification: Uncertain significance for Autosomal recessive mendelian susceptibility to mycobacterial diseases due to complete RORgamma receptor deficiency. Last evaluated: 2022-04-17. Review status: criteria provided, single submitter. Criteria: Invitae Variant Classification Sherloc (09022015). Collection method: clinical testing. Allele origin: germline.
Comment: In summary, the available evidence is currently insufficient to determine the role of this variant in disease. Therefore, it has been classified as a Variant of Uncertain Significance. Algorithms developed to predict the effect of missense changes on protein structure and function are either unavailable or do not agree on the potential impact of this missense change (SIFT: "Tolerated"; PolyPhen-2: "Probably Damaging"; Align-GVGD: "Class C0"). This variant has not been reported in the literature in individuals affected with RORC-related conditions. This variant is present in population databases (no rsID available, gnomAD 0.0009%). This sequence change replaces arginine, which is basic and polar, with histidine, which is basic and polar, at codon 296 of the RORC protein (p.Arg296His).